The following is an entry in ClinVar:

NM_000155.4(GALT):c.608A>G (p.Glu203Gly)

Gene: GALT (galactose-1-phosphate uridylyltransferase; plus strand). Cytogenetic location: 9p13.3.
Variant type: single nucleotide variant.
Coding change: c.608A>G on transcript NM_000155.4 (MANE Select); coding-DNA position 608, A replaced by G.
Protein change: p.Glu203Gly; replaces glutamic acid 203 with glycine.
Molecular consequence: missense variant.
Genome position (GRCh38, 1-based): chr9:34,648,377, A>G. VCF-style: chr9-34648377-A-G. GRCh37 (hg19) VCF-style: chr9-34648374-A-G.
Other names: c.281A>G, p.Glu94Gly (NM_001258332.2); short protein forms E203G, E94G.
Identifiers: ClinVar variation 1497126 (VCV001497126.8), dbSNP rs2132344172, ClinGen allele CA373282010.

ClinVar aggregate classification (germline): Conflicting classifications of pathogenicity. Review status: criteria provided, conflicting classifications (1 of 4 stars). 2 submissions from 2 submitters: Likely pathogenic (1); Uncertain significance (1). Last evaluated 2025-04-18.

Conditions:
Deficiency of UDPglucose-hexose-1-phosphate uridylyltransferase. Also called: Transferase Deficiency Galactosemia; GALACTOSE-1-PHOSPHATE URIDYLYLTRANSFERASE DEFICIENCY; GALT deficiency; Galactosemia, classic; GALACTOSEMIA I. Identifiers: Orphanet 352, Orphanet 79239, MedGen C0268151, MONDO:0009258, OMIM 230400.

Submissions (2):

Women's Health and Genetics/Laboratory Corporation of America, LabCorp
Classification: Uncertain significance. Last evaluated: 2025-04-18. Review status: criteria provided, single submitter. Criteria: LabCorp Variant Classification Summary - May 2015. Collection method: clinical testing. Allele origin: germline.
Comment: Variant summary: GALT c.608A>G (p.Glu203Gly) results in a non-conservative amino acid change in the encoded protein sequence. Three of five in-silico tools predict a damaging effect of the variant on protein function. The variant was absent in 251484 control chromosomes. The available data on variant occurrences in the general population are insufficient to allow any conclusion about variant significance. To our knowledge, no occurrence of c.608A>G in individuals affected with Galactosemia and no experimental evidence demonstrating its impact on protein function have been reported. ClinVar contains an entry for this variant (Variation ID: 1497126). Based on the evidence outlined above, the variant was classified as uncertain significance.

Labcorp Genetics (formerly Invitae), Labcorp
Classification: Likely pathogenic for Deficiency of UDPglucose-hexose-1-phosphate uridylyltransferase. Last evaluated: 2024-01-10. Review status: criteria provided, single submitter. Criteria: Invitae Variant Classification Sherloc (09022015). Collection method: clinical testing. Allele origin: germline.
Comment: This sequence change replaces glutamic acid, which is acidic and polar, with glycine, which is neutral and non-polar, at codon 203 of the GALT protein (p.Glu203Gly). This variant is not present in population databases (gnomAD no frequency). This variant has not been reported in the literature in individuals affected with GALT-related conditions. ClinVar contains an entry for this variant (Variation ID: 1497126). Advanced modeling of protein sequence and biophysical properties (such as structural, functional, and spatial information, amino acid conservation, physicochemical variation, residue mobility, and thermodynamic stability) performed at Invitae indicates that this missense variant is expected to disrupt GALT protein function with a positive predictive value of 95%. This variant disrupts the p.Glu203 amino acid residue in GALT. Other variant(s) that disrupt this residue have been determined to be pathogenic (PMID: 7887416). This suggests that this residue is clinically significant, and that variants that disrupt this residue are likely to be disease-causing. In summary, the currently available evidence indicates that the variant is pathogenic, but additional data are needed to prove that conclusively. Therefore, this variant has been classified as Likely Pathogenic.

Literature cited by the submitters: PubMed 7887416 (cited by Labcorp Genetics (formerly Invitae), Labcorp).